The following is an entry in ClinVar:

ClinVar aggregate classification (germline): Uncertain significance (1 of 4 stars; one submission).

Submission:

Labcorp Genetics (formerly Invitae), Labcorp
Classification: Uncertain significance. Last evaluated: 2024-12-02. Review status: criteria provided, single submitter. Criteria: Invitae Variant Classification Sherloc (09022015). Collection method: clinical testing. Allele origin: germline.
Comment: This sequence change replaces valine, which is neutral and non-polar, with glycine, which is neutral and non-polar, at codon 2131 of the MACF1 protein (p.Val2131Gly). This variant is not present in population databases (gnomAD no frequency). This variant has not been reported in the literature in individuals affected with MACF1-related conditions. An algorithm developed to predict the effect of missense changes on protein structure and function (PolyPhen-2) suggests that this variant is likely to be tolerated. In summary, the available evidence is currently insufficient to determine the role of this variant in disease. Therefore, it has been classified as a Variant of Uncertain Significance.

NM_001394062.1(MACF1):c.12578T>G (p.Val4193Gly)

Gene: MACF1 (microtubule actin crosslinking factor 1; plus strand). Cytogenetic location: 1p34.3.
Variant type: single nucleotide variant.
Coding change: c.12578T>G on transcript NM_001394062.1 (MANE Select); coding-DNA position 12578, T replaced by G.
Protein change: p.Val4193Gly; replaces valine 4193 with glycine.
Molecular consequence: missense variant.
Genome position (GRCh38, 1-based): chr1:39,361,484, T>G. VCF-style: chr1-39361484-T-G. GRCh37 (hg19) VCF-style: chr1-39827156-T-G.
Other names: c.6392T>G, p.Val2131Gly (NM_012090.5); short protein forms V2131G, V4193G.
Identifiers: ClinVar variation 3640788 (VCV003640788.2).